The following is an entry in ClinVar:

ClinVar aggregate classification (germline): Uncertain significance (1 of 4 stars; one submission).

Submission:

Labcorp Genetics (formerly Invitae), Labcorp
Classification: Uncertain significance. Last evaluated: 2022-06-30. Review status: criteria provided, single submitter. Criteria: Invitae Variant Classification Sherloc (09022015). Collection method: clinical testing. Allele origin: germline.
Comment: In summary, the available evidence is currently insufficient to determine the role of this variant in disease. Therefore, it has been classified as a Variant of Uncertain Significance. Experimental studies and prediction algorithms are not available or were not evaluated, and the functional significance of this variant is currently unknown. This variant has not been reported in the literature in individuals affected with COX6A1-related conditions. This variant is not present in population databases (gnomAD no frequency). This sequence change creates a premature translational stop signal (p.Leu41Hisfs*49) in the COX6A1 gene. While this is not anticipated to result in nonsense mediated decay, it is expected to disrupt the last 69 amino acid(s) of the COX6A1 protein.

NM_004373.4(COX6A1):c.122_123del (p.Leu41fs)

Gene: COX6A1 (cytochrome c oxidase subunit 6A1; plus strand). Cytogenetic location: 12q24.31.
Variant type: Microsatellite.
Coding change: c.122_123del on transcript NM_004373.4 (MANE Select); coding-DNA positions 122 to 123, 2 bases deleted (TC; older notation c.122_123delTC).
Protein change: p.Leu41fs; shifts the reading frame from leucine 41.
Molecular consequence: frameshift variant.
Genome position (GRCh38, 1-based): chr12:120,438,397-120,438,398, TC deleted; deleting any 2 consecutive bases within chr12:120,438,394-120,438,398 gives the same sequence; the c. name uses the placement nearest the transcript's 3' end. VCF-style (leftmost placement, unchanged base first): chr12-120438393-ACT-A. GRCh37 (hg19) VCF-style: chr12-120876196-ACT-A.
Other names: short protein forms L41fs.
Identifiers: ClinVar variation 2012401 (VCV002012401.4), dbSNP rs1276765660, ClinGen allele CA684422817.